The following is an entry in ClinVar:

ClinVar aggregate classification (germline): Pathogenic (1 of 4 stars; one submission).

Conditions:
RAPSN-related disorder. Also called: RAPSN-related condition; RAPSN-related disorders. Identifiers: MedGen CN239397.

Submission:

Myriad Genetics, Inc.
Classification: Pathogenic for RAPSN-related disorder. Last evaluated: 2023-09-27. Review status: criteria provided, single submitter. Criteria: Myriad Autosomal Dominant, Autosomal Recessive and X-Linked Classification Criteria (2023). Collection method: clinical testing. Allele origin: unknown.
Comment: NM_005055.4(RAPSN):c.613dupC(R205Pfs*26) is expected to be pathogenic in the context of RAPSN-related disorders. This variant is predicted to lead to an abnormal or absent protein product due to the creation of a premature termination codon in RAPSN, a gene where loss-of-function variants are known to be pathogenic. Please note: this variant was assessed in the context of healthy population screening.

NM_005055.5(RAPSN):c.613dup (p.Arg205fs)

Gene: RAPSN (receptor associated protein of the synapse; minus strand). Cytogenetic location: 11p11.2.
Variant type: Duplication.
Coding change: c.613dup on transcript NM_005055.5 (MANE Select); coding-DNA position 613, one base duplicated (C; older notation c.613dupC).
Protein change: p.Arg205fs; shifts the reading frame from arginine 205.
Molecular consequence: frameshift variant. On other transcripts: intron variant (4).
Genome position (GRCh38, 1-based): chr11:47,442,733, G duplicated on the plus strand (C on the coding strand, the reverse complement: RAPSN is on the minus strand); the first of 2 consecutive G bases (chr11:47,442,733-47,442,734); duplicating either gives the same sequence. VCF-style (leftmost placement, unchanged base first): chr11-47442732-C-CG. GRCh37 (hg19) VCF-style: chr11-47464284-C-CG.
Other names: c.613dup, p.Arg205fs (NM_001440490.1, NM_001440491.1, NM_001440492.1 and 8 more transcripts); c.274dup, p.Arg92fs (NM_001440504.1); c.532-812dup (NM_001440503.1, NM_001440493.1, NM_001440502.1 and 1 more transcripts); short protein forms R205fs, R92fs.
Identifiers: ClinVar variation 5011932 (VCV005011932.1).